The following is an entry in ClinVar:

ClinVar aggregate classification (germline): Uncertain significance. Review status: criteria provided, multiple submitters, no conflicts (2 of 4 stars). 2 submissions from 2 submitters: Uncertain significance (2). Last evaluated 2024-02-22.

Conditions:
FGA-related disorder. Also called: FGA-related condition; FGA-related disorders.

Allele frequency attached by ClinVar (database versions not stated): gnomAD 0.00001; TOPMed 0.00004.

Submissions (2):

Women's Health and Genetics/Laboratory Corporation of America, LabCorp
Classification: Uncertain significance. Last evaluated: 2024-02-22. Review status: criteria provided, single submitter. Criteria: LabCorp Variant Classification Summary - May 2015. Collection method: clinical testing. Allele origin: germline.
Comment: Variant summary: FGA c.359C>T (p.Ala120Val) results in a non-conservative amino acid change located in the Fibrinogen domain (IPR037579) of the encoded protein sequence. Four of five in-silico tools predict a benign effect of the variant on protein function. The variant was absent in 250560 control chromosomes. The available data on variant occurrences in the general population are insufficient to allow any conclusion about variant significance. To our knowledge, no occurrence of c.359C>T in individuals affected with Dysfibrinogenemia, Congenital and no experimental evidence demonstrating its impact on protein function have been reported. ClinVar contains an entry for this variant (Variation ID: 2629213). Based on the evidence outlined above, the variant was classified as uncertain significance.

PreventionGenetics, part of Exact Sciences
Classification: Uncertain significance for FGA-related condition. Last evaluated: 2023-09-21. Review status: criteria provided, single submitter. Criteria: ACMG Guidelines, 2015. Collection method: clinical testing. Allele origin: germline.
Comment: The FGA c.359C>T variant is predicted to result in the amino acid substitution p.Ala120Val. To our knowledge, this variant has not been reported in the literature or in a large population database, indicating this variant is rare. At this time, the clinical significance of this variant is uncertain due to the absence of conclusive functional and genetic evidence.

NM_021871.4(FGA):c.359C>T (p.Ala120Val)

Gene: FGA (fibrinogen alpha chain; minus strand). Cytogenetic location: 4q31.3.
Variant type: single nucleotide variant.
Coding change: c.359C>T on transcript NM_021871.4 (MANE Select); coding-DNA position 359, C replaced by T.
Protein change: p.Ala120Val; replaces alanine 120 with valine.
Molecular consequence: missense variant.
Genome position (GRCh38, 1-based): chr4:154,588,798, G>A on the plus strand (C>T on the coding strand, the complement: FGA is on the minus strand). VCF-style: chr4-154588798-G-A. GRCh37 (hg19) VCF-style: chr4-155509950-G-A.
Other names: c.359C>T, p.Ala120Val (NM_000508.5); short protein forms A120V.
Identifiers: ClinVar variation 2629213 (VCV002629213.3), dbSNP rs1463254197, ClinGen allele CA358533029.